The following is an entry in ClinVar:

NM_001276343.3(AGAP4):c.1412A>T (p.Gln471Leu)

Gene: AGAP4 (ArfGAP with GTPase domain, ankyrin repeat and PH domain 4; minus strand). Cytogenetic location: 10q11.22.
Variant type: single nucleotide variant.
Coding change: c.1412A>T on transcript NM_001276343.3 (MANE Select); coding-DNA position 1412, A replaced by T.
Protein change: p.Gln471Leu; replaces glutamine 471 with leucine.
Molecular consequence: missense variant. On other transcripts: non-coding transcript variant (3), 3 prime UTR variant (1).
Genome position (GRCh38, 1-based): chr10:45,826,564, T>A on the plus strand (A>T on the coding strand, the complement: AGAP4 is on the minus strand). VCF-style: chr10-45826564-T-A. GRCh37 (hg19) VCF-style: chr10-46322012-T-A.
Other names: c.1295A>T, p.Gln432Leu (NM_001393377.1); c.*865A>T (NM_001393378.1); c.1343A>T, p.Gln448Leu (NM_133446.4); short protein forms Q448L, Q471L, Q432L.
Identifiers: ClinVar variation 3841196 (VCV003841196.3).

ClinVar aggregate classification (germline): Conflicting classifications of pathogenicity. Review status: criteria provided, conflicting classifications (1 of 4 stars). 2 submissions from 2 submitters: Uncertain significance (1); Likely benign (1). Last evaluated 2026-06-01.

gnomAD v4.1: 256 of 1,560,942 alleles (0.016%); highest among the groups gnomAD compares: African/African-American, 0.23%; 22 homozygotes.

Submissions (2):

CeGaT Center for Human Genetics Tuebingen
Classification: Likely benign. Last evaluated: 2026-06-01. Review status: criteria provided, single submitter. Criteria: CeGaT Center For Human Genetics Tuebingen Variant Classification Criteria Version 2. Collection method: clinical testing. Allele origin: germline. Affected: yes. Observed: 1 variant allele.
Comment: AGAP4: PP2, BS2

Ambry Genetics
Classification: Uncertain significance. Last evaluated: 2025-02-11. Review status: criteria provided, single submitter. Criteria: Ambry Variant Classification Scheme 2023. Collection method: clinical testing. Allele origin: germline.